The following is an entry in ClinVar:

NM_004817.4(TJP2):c.3040G>A (p.Glu1014Lys)

Gene: TJP2 (tight junction protein 2; plus strand). Cytogenetic location: 9q21.11.
Variant type: single nucleotide variant.
Coding change: c.3040G>A on transcript NM_004817.4 (MANE Select); coding-DNA position 3040, G replaced by A.
Protein change: p.Glu1014Lys; replaces glutamic acid 1014 with lysine.
Molecular consequence: missense variant. On other transcripts: intron variant (3).
Genome position (GRCh38, 1-based): chr9:69,251,083, G>A. VCF-style: chr9-69251083-G-A. GRCh37 (hg19) VCF-style: chr9-71865999-G-A.
Other names: c.2941G>A, p.Glu981Lys (NM_001170415.1); c.3133G>A, p.Glu1045Lys (NM_001170416.2); c.2965G>A, p.Glu989Lys (NM_001369870.1); c.2971G>A, p.Glu991Lys (NM_001369871.1); c.2929G>A, p.Glu977Lys (NM_001369872.1); c.2716G>A, p.Glu906Lys (NM_001369873.1); c.3052G>A, p.Glu1018Lys (NM_001369875.1); c.2812-1732G>A (NM_001170414.2); and 2 more; short protein forms E1045K, E981K, E989K, E1018K, E906K, E977K, E1014K, E991K.
Identifiers: ClinVar variation 4633150 (VCV004633150.2).

ClinVar aggregate classification (germline): Uncertain significance. Review status: criteria provided, multiple submitters, no conflicts (2 of 4 stars). 2 submissions from 2 submitters: Uncertain significance (2). Last evaluated 2025-10-02.

Conditions:
Inborn genetic diseases. Identifiers: MedGen C0950123, MeSH D030342.
TJP2-related disorder. Also called: TJP2-related condition.

gnomAD v4.1: 1 of 1,614,064 alleles (0.000062%); highest among the groups gnomAD compares: Admixed American, 0.0017%; no homozygotes.

Submissions (2):

Ambry Genetics
Classification: Uncertain significance for Inborn genetic diseases. Last evaluated: 2025-10-02. Review status: criteria provided, single submitter. Criteria: Ambry Variant Classification Scheme 2023. Collection method: clinical testing. Allele origin: germline.

PreventionGenetics, part of Exact Sciences
Classification: Uncertain significance for TJP2-related condition. Last evaluated: 2024-11-11. Review status: criteria provided, single submitter. Criteria: ACMG Guidelines, 2015. Collection method: clinical testing. Allele origin: germline.
Comment: The TJP2 c.3040G>A variant is predicted to result in the amino acid substitution p.Glu1014Lys. To our knowledge, this variant has not been reported in the literature. This variant is reported in 0.0029% of alleles in individuals of Latino descent in gnomAD. At this time, the clinical significance of this variant is uncertain due to the absence of conclusive functional and genetic evidence.